The following is an entry in ClinVar:

NM_032790.4(ORAI1):c.275C>T (p.Thr92Ile)

Genes: ORAI1 (ORAI calcium release-activated calcium modulator 1; plus strand), LOC130008987 (ATAC-STARR-seq lymphoblastoid silent region 4981; plus strand). Cytogenetic location: 12q24.31.
Variant type: single nucleotide variant.
Coding change: c.275C>T on transcript NM_032790.4 (MANE Select); coding-DNA position 275, C replaced by T.
Protein change: p.Thr92Ile; replaces threonine 92 with isoleucine.
Molecular consequence: missense variant. On other transcripts: non-coding transcript variant (1).
Genome position (GRCh38, 1-based): chr12:121,627,022, C>T. VCF-style: chr12-121627022-C-T.
Other names: short protein forms T92I.
Identifiers: ClinVar variation 2943522 (VCV002943522.3), dbSNP rs2503522770, ClinGen allele CA386981139.

ClinVar aggregate classification (germline): Uncertain significance (1 of 4 stars; one submission).

Conditions:
Combined immunodeficiency due to ORAI1 deficiency. Also called: IMMUNODEFICIENCY 9. Identifiers: Orphanet 169090, Orphanet 317428, MedGen C2748568, MONDO:0013007, OMIM 612782.
Myopathy, tubular aggregate, 2 (TAM2). Identifiers: MedGen C4014557, MONDO:0014383, OMIM 615883.

Submission:

Labcorp Genetics (formerly Invitae), Labcorp
Classification: Uncertain significance for Myopathy, tubular aggregate, 2; Combined immunodeficiency due to ORAI1 deficiency. Last evaluated: 2023-01-22. Review status: criteria provided, single submitter. Criteria: Invitae Variant Classification Sherloc (09022015). Collection method: clinical testing. Allele origin: germline.
Comment: This variant is not present in population databases (gnomAD no frequency). In summary, the available evidence is currently insufficient to determine the role of this variant in disease. Therefore, it has been classified as a Variant of Uncertain Significance. Experimental studies and prediction algorithms are not available or were not evaluated, and the functional significance of this variant is currently unknown. This variant has not been reported in the literature in individuals affected with ORAI1-related conditions. This sequence change replaces threonine, which is neutral and polar, with isoleucine, which is neutral and non-polar, at codon 92 of the ORAI1 protein (p.Thr92Ile).